The following is an entry in ClinVar:

ClinVar aggregate classification (germline): Pathogenic (1 of 4 stars; one submission).

Submission:

Labcorp Genetics (formerly Invitae), Labcorp
Classification: Pathogenic. Last evaluated: 2022-09-15. Review status: criteria provided, single submitter. Criteria: Invitae Variant Classification Sherloc (09022015). Collection method: clinical testing. Allele origin: germline.
Comment: This sequence change creates a premature translational stop signal (p.Gln41Serfs*35) in the CDC45 gene. It is expected to result in an absent or disrupted protein product. Loss-of-function variants in CDC45 are known to be pathogenic (PMID: 27374770, 30986546). This variant is not present in population databases (gnomAD no frequency). This variant has not been reported in the literature in individuals affected with CDC45-related conditions. For these reasons, this variant has been classified as Pathogenic.

Literature cited by the submitters: PubMed 27374770; PubMed 30986546.

NM_003504.5(CDC45):c.121del (p.Gln41fs)

Gene: CDC45 (cell division cycle 45; plus strand). Cytogenetic location: 22q11.21.
Variant type: Deletion.
Coding change: c.121del on transcript NM_003504.5 (MANE Select); coding-DNA position 121, one base deleted (C; older notation c.121delC).
Protein change: p.Gln41fs; shifts the reading frame from glutamine 41.
Molecular consequence: frameshift variant. On other transcripts: non-coding transcript variant (1).
Genome position (GRCh38, 1-based): chr22:19,480,962, C deleted; the last of 2 consecutive C bases (chr22:19,480,961-19,480,962); deleting either gives the same sequence. VCF-style (leftmost placement, unchanged base first): chr22-19480960-TC-T. GRCh37 (hg19) VCF-style: chr22-19468483-TC-T.
Other names: c.121del, p.Gln41fs (NM_001178010.2, NM_001178011.2); c.85del, p.Gln29fs (NM_001369291.1); short protein forms Q41fs, Q29fs.
Identifiers: ClinVar variation 2021022 (VCV002021022.4), dbSNP rs2517553761, ClinGen allele CA2577645973.
Genomic context (GRCh38, chr22:19,480,960, plus strand): 5'-GTAAATTGCTAATGTCCTAAATAAGATAGGCTTTGAAAACACTCTCTCTCCAGGCCTTGT[TC>T]CAGTGTGACCACGTGCAATATACGCTGGTTCCAGTTTCTGGGTGGCAAGAACTTGAAACT-3'